The following is an entry in ClinVar:

NM_000392.5(ABCC2):c.2360_2366del (p.Pro787fs)

Gene: ABCC2 (ATP binding cassette subfamily C member 2; plus strand). Cytogenetic location: 10q24.2.
Variant type: Deletion.
Coding change: c.2360_2366del on transcript NM_000392.5 (MANE Select); coding-DNA positions 2360 to 2366, 7 bases deleted (CCCTGTC; older notation c.2360_2366delCCCTGTC).
Protein change: p.Pro787fs; shifts the reading frame from proline 787.
Molecular consequence: frameshift variant.
Genome position (GRCh38, 1-based): chr10:99,818,878-99,818,884, CCCTGTC deleted; deleting any 7 consecutive bases within chr10:99,818,877-99,818,884 gives the same sequence; the c. name uses the placement nearest the transcript's 3' end. VCF-style (leftmost placement, unchanged base first): chr10-99818876-CCCCCTGT-C. GRCh37 (hg19) VCF-style: chr10-101578633-CCCCCTGT-C.
Other names: short protein forms P787fs.
Identifiers: ClinVar variation 2735467 (VCV002735467.3), dbSNP rs2492965619, ClinGen allele CA2574638346.
Genomic context (GRCh38, chr10:99,818,876, plus strand): 5'-GCAGCGGATCAGCCTGGCCAGAGCTACCTACCAAAATTTAGACATCTATCTTCTAGATGA[CCCCCTGT>C]CTGCAGTGGATGCTCATGTAGGAAAACATATTTTTAATAAGGTCTTGGGCCCCAATGGCC-3'

ClinVar aggregate classification (germline): Pathogenic (1 of 4 stars; one submission).

Submission:

Labcorp Genetics (formerly Invitae), Labcorp
Classification: Pathogenic. Last evaluated: 2023-01-05. Review status: criteria provided, single submitter. Criteria: Invitae Variant Classification Sherloc (09022015). Collection method: clinical testing. Allele origin: germline.
Comment: This sequence change creates a premature translational stop signal (p.Pro787Leufs*7) in the ABCC2 gene. It is expected to result in an absent or disrupted protein product. Loss-of-function variants in ABCC2 are known to be pathogenic (PMID: 9185779, 16549534, 16952291). For these reasons, this variant has been classified as Pathogenic. This premature translational stop signal has been observed in individual(s) with Dubin-Johnson syndrome (PMID: 23429660). This variant is not present in population databases (gnomAD no frequency).

Literature cited by the submitters: PubMed 9185779; PubMed 16549534; PubMed 16952291; PubMed 23429660.